The following is an entry in ClinVar:

ClinVar aggregate classification (germline): Uncertain significance. Review status: criteria provided, single submitter (1 of 4 stars). 2 submissions from 2 submitters: Uncertain significance (1). 1 of the submissions does not count toward it. Last evaluated 2022-04-27.

Conditions:
Familial hypocalciuric hypercalcemia (FHH). Also called: Familial benign hypercalcemia. Identifiers: Orphanet 405, MedGen C1809471, MONDO:0018458.
Autosomal dominant hypocalcemia 1 (HYPOC1). Also called: HYPOCALCEMIA, FAMILIAL. Identifiers: MedGen C3715128, MONDO:0011013, OMIM 601198.
Familial hypocalciuric hypercalcemia 1. Also called: Hypercalcemia, familial benign type 1. Identifiers: Orphanet 405, Orphanet 93372, MedGen C0342637, MONDO:0007791, OMIM 145980.

Submissions (2):

Labcorp Genetics (formerly Invitae), Labcorp
Classification: Uncertain significance for Familial hypocalciuric hypercalcemia; Autosomal dominant hypocalcemia 1. Last evaluated: 2022-04-27. Review status: criteria provided, single submitter. Criteria: Invitae Variant Classification Sherloc (09022015). Collection method: clinical testing. Allele origin: germline.
Comment: In summary, the available evidence is currently insufficient to determine the role of this variant in disease. Therefore, it has been classified as a Variant of Uncertain Significance. This variant disrupts the p.Pro221 amino acid residue in CASR. Other variant(s) that disrupt this residue have been observed in individuals with CASR-related conditions (PMID: 11136551, 12733714, 20119591, 21645025, 25137426), which suggests that this may be a clinically significant amino acid residue. Experimental studies have shown that this missense change affects CASR function (PMID: 22422767). Algorithms developed to predict the effect of missense changes on protein structure and function (SIFT, PolyPhen-2, Align-GVGD) all suggest that this variant is likely to be disruptive. ClinVar contains an entry for this variant (Variation ID: 60668). This missense change has been observed in individual(s) with hypocalciuric hypercalcemia (PMID: 17698911, 22422767). It has also been observed to segregate with disease in related individuals. This variant is not present in population databases (gnomAD no frequency). This sequence change replaces proline, which is neutral and non-polar, with glutamine, which is neutral and polar, at codon 221 of the CASR protein (p.Pro221Gln).

OMIM
Classification: Pathogenic for HYPOCALCIURIC HYPERCALCEMIA, FAMILIAL, TYPE I. Last evaluated: 2012-06-15. Review status: no assertion criteria provided. Collection method: literature only. Allele origin: germline. Not counted in ClinVar's aggregate classification.

Literature cited by the submitters: PubMed 11136551 (cited by Labcorp Genetics (formerly Invitae), Labcorp); PubMed 12733714 (cited by Labcorp Genetics (formerly Invitae), Labcorp); PubMed 20119591 (cited by Labcorp Genetics (formerly Invitae), Labcorp); PubMed 21645025 (cited by Labcorp Genetics (formerly Invitae), Labcorp); PubMed 25137426 (cited by Labcorp Genetics (formerly Invitae), Labcorp); PubMed 22422767 (cited by Labcorp Genetics (formerly Invitae), Labcorp and OMIM); PubMed 17698911 (cited by Labcorp Genetics (formerly Invitae), Labcorp).

NM_000388.4(CASR):c.662C>A (p.Pro221Gln)

Gene: CASR (calcium sensing receptor; plus strand). Cytogenetic location: 3q21.1.
Variant type: single nucleotide variant.
Coding change: c.662C>A on transcript NM_000388.4 (MANE Select); coding-DNA position 662, C replaced by A.
Protein change: p.Pro221Gln; replaces proline 221 with glutamine.
Molecular consequence: missense variant.
Genome position (GRCh38, 1-based): chr3:122,261,697, C>A. VCF-style: chr3-122261697-C-A. GRCh37 (hg19) VCF-style: chr3-121980544-C-A.
Other names: c.662C>A, p.Pro221Gln (NM_001178065.2); short protein forms P221Q.
Identifiers: ClinVar variation 60668 (VCV000060668.6), dbSNP rs397514728, ClinGen allele CA144611.
Genomic context (GRCh38, chr3:122,261,697, plus strand): 5'-TCGAGTATTTCCGCTGGAACTGGGTGGGCACAATTGCAGCTGATGACGACTATGGGCGGC[C>A]GGGGATTGAGAAATTCCGAGAGGAAGCTGAGGAAAGGGATATCTGCATCGACTTCAGTGA-3'
Protein context (NP_000379.3, residues 211-231): TIAADDDYGR[Pro221Gln]GIEKFREEAE